The following is an entry in ClinVar:

NM_016203.4(PRKAG2):c.*522G>T

Gene: PRKAG2 (protein kinase AMP-activated non-catalytic subunit gamma 2; minus strand). Cytogenetic location: 7q36.1.
Variant type: single nucleotide variant.
Coding change: c.*522G>T on transcript NM_016203.4 (MANE Select); 522 bases downstream of the stop codon, G replaced by T.
Molecular consequence: 3 prime UTR variant.
Genome position (GRCh38, 1-based): chr7:151,556,679, C>A on the plus strand (G>T on the coding strand, the complement: PRKAG2 is on the minus strand). VCF-style: chr7-151556679-C-A. GRCh37 (hg19) VCF-style: chr7-151253765-C-A.
Other names: c.*522G>T (NM_001040633.2, NM_001304527.2, NM_001304531.2 and 2 more transcripts).
Identifiers: ClinVar variation 359335 (VCV000359335.6), dbSNP rs1051956, ClinGen allele CA10625530.

ClinVar aggregate classification (germline): Benign. Review status: criteria provided, multiple submitters, no conflicts (2 of 4 stars). 3 submissions from 2 submitters: Benign (3). Last evaluated 2018-01-13.

Conditions:
Hypertrophic cardiomyopathy 6. Identifiers: MedGen C1833236, MONDO:0010946, OMIM 600858.
Wolff-Parkinson-White pattern. Also called: WPW SYNDROME; Auriculoventricular accessory pathway syndrome; False bundle branch block syndrome; Anomalous ventricular excitation syndrome. Identifiers: MedGen C0043202, MONDO:0008685, OMIM 194200, HP:0001716.

Allele frequency attached by ClinVar (database versions not stated): TOPMed 0.52250; 1000 Genomes Project 30x 0.53576; gnomAD 0.53580 and 0.54485; 1000 Genomes Project 0.54992; gnomAD exomes 0.58560.
gnomAD v4.1: 84,792 of 155,478 alleles (55%); highest among the groups gnomAD compares: East Asian, 71%; 25,006 homozygotes.

Submissions (3):

Illumina Laboratory Services, Illumina
Classification: Benign for Hypertrophic cardiomyopathy 6. Last evaluated: 2018-01-13. Review status: criteria provided, single submitter. Criteria: ICSL Variant Classification Criteria 13 December 2019. Collection method: clinical testing. Allele origin: germline.
Comment: This variant was observed in the ICSL laboratory as part of a predisposition screen in an ostensibly healthy population. It had not been previously curated by ICSL or reported in the Human Gene Mutation Database (HGMD: prior to June 1st, 2018), and was therefore a candidate for classification through an automated scoring system. Utilizing variant allele frequency, disease prevalence and penetrance estimates, and inheritance mode, an automated score was calculated to assess if this variant is too frequent to cause the disease. Based on the score and internal cut-off values, a variant classified as benign is not then subjected to further curation. The score for this variant resulted in a classification of benign for this disease.

Illumina Laboratory Services, Illumina
Classification: Benign for Wolff-Parkinson-White pattern. Last evaluated: 2018-01-13. Review status: criteria provided, single submitter. Criteria: ICSL Variant Classification Criteria 13 December 2019. Collection method: clinical testing. Allele origin: germline.
Comment: the same text as in the submission from Illumina Laboratory Services, Illumina above.

Breakthrough Genomics
Classification: Benign. Review status: criteria provided, single submitter. Criteria: ACMG Guidelines, 2015. Collection method: not provided. Allele origin: germline. Inheritance: Autosomal dominant inheritance. Affected: yes.